The following is an entry in ClinVar:

ClinVar aggregate classification (germline): Likely benign (1 of 4 stars; one submission).

gnomAD v4.1: 1 of 1,613,058 alleles (0.000062%); highest among the groups gnomAD compares: Non-Finnish European, 0.000085%; no homozygotes.

Submission:

CeGaT Center for Human Genetics Tuebingen
Classification: Likely benign. Last evaluated: 2023-02-01. Review status: criteria provided, single submitter. Criteria: CeGaT Center For Human Genetics Tuebingen Variant Classification Criteria Version 2. Collection method: clinical testing. Allele origin: germline. Affected: yes. Observed: 1 variant allele.
Comment: CIC: BP4, BP7

NM_001386298.1(CIC):c.5607C>A (p.Pro1869=)

Gene: CIC (capicua transcriptional repressor; plus strand). Cytogenetic location: 19q13.2.
Variant type: single nucleotide variant.
Coding change: c.5607C>A on transcript NM_001386298.1 (MANE Select); coding-DNA position 5607, C replaced by A.
Protein change: p.Pro1869=; no amino-acid change (proline 1869 retained).
Molecular consequence: synonymous variant.
Genome position (GRCh38, 1-based): chr19:42,291,739, C>A. VCF-style: chr19-42291739-C-A. GRCh37 (hg19) VCF-style: chr19-42795891-C-A.
Other names: c.5607C>A, p.Pro1869= (NM_001304815.2, NM_001379480.1, NM_001379482.1 and 1 more transcripts); c.2880C>A, p.Pro960= (NM_001379484.1, NM_001379485.1, NM_015125.5).
Identifiers: ClinVar variation 2650002 (VCV002650002.24), dbSNP rs139270330, ClinGen allele CA507610013.
Genomic context (GRCh38, chr19:42,291,739, plus strand): 5'-GCCACTGCCACTGGTGAGCCCGCCCTTCTCAGTACCTGTGCAGAATGGTGCCCAGCCCCC[C>A]AGCAAGGTGAGGGCCTGCCTTTCTCTCTACCTGCTGGATGTTGGCCCCTGTACCCCATCA-3'
Protein context (NP_001373227.1, residues 1859-1879): SVPVQNGAQP[Pro1869=]SKIIQLTPVP